The following is an entry in ClinVar:

NM_001256627.2(BRSK2):c.1899G>A (p.Leu633=)

Gene: BRSK2 (BR serine/threonine kinase 2; plus strand). Cytogenetic location: 11p15.5.
Variant type: single nucleotide variant.
Coding change: c.1899G>A on transcript NM_001256627.2 (MANE Select); coding-DNA position 1899, G replaced by A.
Protein change: p.Leu633=; no amino-acid change (leucine 633 retained).
Molecular consequence: synonymous variant. On other transcripts: non-coding transcript variant (1).
Genome position (GRCh38, 1-based): chr11:1,456,647, G>A. VCF-style: chr11-1456647-G-A. GRCh37 (hg19) VCF-style: chr11-1477877-G-A.
Other names: c.1899G>A, p.Leu633= (NM_001256629.2, NM_003957.4); c.2037G>A, p.Leu679= (NM_001256630.1, NM_001440667.1); c.1719G>A, p.Leu573= (NM_001282218.2, NM_001440669.1, NM_001440673.1 and 3 more transcripts); c.2331G>A, p.Leu777= (NM_001440665.1); c.2265G>A, p.Leu755= (NM_001440666.1); c.1965G>A, p.Leu655= (NM_001440668.1, NM_001440670.1); c.1785G>A, p.Leu595= (NM_001440671.1, NM_001440672.1).
Identifiers: ClinVar variation 4821532 (VCV004821532.4).

ClinVar aggregate classification (germline): Likely benign (1 of 4 stars; one submission).

gnomAD v4.1: 254 of 1,610,410 alleles (0.016%); highest among the groups gnomAD compares: Middle Eastern, 0.1%; no homozygotes.

Submission:

CeGaT Center for Human Genetics Tuebingen
Classification: Likely benign. Last evaluated: 2026-03-01. Review status: criteria provided, single submitter. Criteria: CeGaT Center For Human Genetics Tuebingen Variant Classification Criteria Version 2. Collection method: clinical testing. Allele origin: germline. Affected: yes. Observed: 1 variant allele.
Comment: BRSK2: BP4, BP7